The following is an entry in ClinVar:

NM_013444.4(UBQLN2):c.1525C>T (p.Pro509Ser)

Gene: UBQLN2 (ubiquilin 2; plus strand). Cytogenetic location: Xp11.21.
Variant type: single nucleotide variant.
Coding change: c.1525C>T on transcript NM_013444.4 (MANE Select); coding-DNA position 1525, C replaced by T.
Protein change: p.Pro509Ser; replaces proline 509 with serine.
Molecular consequence: missense variant.
Genome position (GRCh38, 1-based): chrX:56,565,398, C>T. VCF-style: chrX-56565398-C-T. GRCh37 (hg19) VCF-style: chrX-56591831-C-T.
Other names: short protein forms P509S.
Identifiers: ClinVar variation 29953 (VCV000029953.10), dbSNP rs387906712, ClinGen allele CA259709.

ClinVar aggregate classification (germline): Uncertain significance. Review status: criteria provided, multiple submitters, no conflicts (2 of 4 stars). 3 submissions from 3 submitters: Uncertain significance (2). 1 of the submissions does not count toward it. Last evaluated 2025-09-03.

Conditions:
UBQLN2-related disorder. Also called: UBQLN2-related condition.
Amyotrophic lateral sclerosis type 15. Also called: AMYOTROPHIC LATERAL SCLEROSIS 15 WITH FRONTOTEMPORAL DEMENTIA. Identifiers: Orphanet 803, MedGen C3275459, MONDO:0010459, OMIM 300857.

Allele frequency attached by ClinVar (database versions not stated): gnomAD exomes 0.00001 and 0.00002; TOPMed 0.00001; ExAC 0.00005; gnomAD 0.00005.

Submissions (3):

PreventionGenetics, part of Exact Sciences
Classification: Uncertain significance for UBQLN2-related condition. Last evaluated: 2025-09-03. Review status: criteria provided, single submitter. Criteria: ACMG Guidelines, 2015. Collection method: clinical testing. Allele origin: germline.
Comment: The UBQLN2 c.1525C>T variant is predicted to result in the amino acid substitution p.Pro509Ser. This variant has been reported in an individual with amyotrophic lateral sclerosis (ALS, Deng et al. 2011. PubMed ID: 21857683). This variant has also been reported in one individual with ALS and "Parkinson's syndrome" and it was also observed in one of two asymptomatic siblings (He et al. 2024. PubMed ID: 38943019). Functional in vitro studies suggest this variant impairs protein function (Gilpin et al. 2015. PubMed ID: 25616961; Chang et al. 2015. PubMed ID: 26075709). This variant is reported in 0.0049% of alleles in individuals of European (Non-Finnish) descent in gnomAD, including eight hemizygotes in the larger gnomAD v4.1.0 database. At PreventionGenetics, we have found this variant in the hemizygous state in two individuals undergoing testing with suspected ALS (Internal Data). Although we suspect that this variant may be pathogenic, at this time, the clinical significance of this variant is uncertain due to the absence of conclusive functional and genetic evidence.

Labcorp Genetics (formerly Invitae), Labcorp
Classification: Uncertain significance for Amyotrophic lateral sclerosis type 15. Last evaluated: 2025-04-13. Review status: criteria provided, single submitter. Criteria: Invitae Variant Classification Sherloc (09022015). Collection method: clinical testing. Allele origin: germline.
Comment: This sequence change replaces proline, which is neutral and non-polar, with serine, which is neutral and polar, at codon 509 of the UBQLN2 protein (p.Pro509Ser). This variant is present in population databases (rs387906712, gnomAD 0.005%), including at least one homozygous and/or hemizygous individual. This missense change has been observed in individual(s) with amyotrophic lateral sclerosis (PMID: 21857683). ClinVar contains an entry for this variant (Variation ID: 29953). Algorithms developed to predict the effect of variants on gene product structure and function are not available or were not evaluated for this variant. Experimental studies have shown that this missense change affects UBQLN2 function (PMID: 25616961, 26075709). In summary, the available evidence is currently insufficient to determine the role of this variant in disease. Therefore, it has been classified as a Variant of Uncertain Significance.

OMIM
Classification: Pathogenic for AMYOTROPHIC LATERAL SCLEROSIS 15 WITH OR WITHOUT FRONTOTEMPORAL DEMENTIA. Last evaluated: 2011-08-21. Review status: no assertion criteria provided. Collection method: literature only. Allele origin: germline. Not counted in ClinVar's aggregate classification.

Literature cited by the submitters: PubMed 21857683 (cited by Labcorp Genetics (formerly Invitae), Labcorp and OMIM); PubMed 25616961 (cited by Labcorp Genetics (formerly Invitae), Labcorp); PubMed 26075709 (cited by Labcorp Genetics (formerly Invitae), Labcorp).